The following is an entry in ClinVar:

NM_206926.2(SELENON):c.745G>A (p.Asp249Asn)

Gene: SELENON (selenoprotein N; plus strand). Cytogenetic location: 1p36.11.
Variant type: single nucleotide variant.
Coding change: c.745G>A on transcript NM_206926.2 (MANE Select); coding-DNA position 745, G replaced by A.
Protein change: p.Asp249Asn; replaces aspartic acid 249 with asparagine.
Molecular consequence: missense variant.
Genome position (GRCh38, 1-based): chr1:25,809,125, G>A. VCF-style: chr1-25809125-G-A. GRCh37 (hg19) VCF-style: chr1-26135616-G-A.
Other names: c.847G>A, p.Asp283Asn (NM_020451.3); short protein forms D283N, D249N.
Identifiers: ClinVar variation 565819 (VCV000565819.10), dbSNP rs760149813, ClinGen allele CA696651.

ClinVar aggregate classification (germline): Uncertain significance (1 of 4 stars; one submission).

Conditions:
Eichsfeld type congenital muscular dystrophy (CMYO3). Also called: MYOPATHY, SEPN1-RELATED; Rigid spine muscular dystrophy 1; SELENON-related myopathy; Congenital myopathy 3 with rigid spine. Identifiers: MedGen C0410180, MONDO:0100100, OMIM 602771.

Allele frequency attached by ClinVar (database versions not stated): gnomAD exomes below 0.00001; ExAC 0.00001; gnomAD 0.00001.
gnomAD v4.1: 7 of 1,613,648 alleles (0.00043%); highest among the groups gnomAD compares: Admixed American, 0.0033%; no homozygotes.

Submission:

Labcorp Genetics (formerly Invitae), Labcorp
Classification: Uncertain significance for Eichsfeld type congenital muscular dystrophy. Last evaluated: 2025-04-08. Review status: criteria provided, single submitter. Criteria: Invitae Variant Classification Sherloc (09022015). Collection method: clinical testing. Allele origin: germline.
Comment: This sequence change replaces aspartic acid, which is acidic and polar, with asparagine, which is neutral and polar, at codon 283 of the SELENON protein (p.Asp283Asn). This variant is present in population databases (rs760149813, gnomAD 0.0009%). This variant has not been reported in the literature in individuals affected with SELENON-related conditions. ClinVar contains an entry for this variant (Variation ID: 565819). An algorithm developed to predict the effect of missense changes on protein structure and function (PolyPhen-2) suggests that this variant is likely to be tolerated. In summary, the available evidence is currently insufficient to determine the role of this variant in disease. Therefore, it has been classified as a Variant of Uncertain Significance.